The following is an entry in ClinVar:

NM_000038.6(APC):c.1177T>C (p.Ser393Pro)

Gene: APC (APC regulator of Wnt signaling pathway; plus strand). Cytogenetic location: 5q22.2.
Variant type: single nucleotide variant.
Coding change: c.1177T>C on transcript NM_000038.6 (MANE Select); coding-DNA position 1177, T replaced by C.
Protein change: p.Ser393Pro; replaces serine 393 with proline.
Molecular consequence: missense variant. On other transcripts: intron variant (4).
Genome position (GRCh38, 1-based): chr5:112,819,209, T>C. VCF-style: chr5-112819209-T-C. GRCh37 (hg19) VCF-style: chr5-112154906-T-C.
Other names: c.1177T>C, p.Ser393Pro (NM_001127510.3, NM_001354895.2, NM_001354896.2); c.1123T>C, p.Ser375Pro (NM_001127511.3); c.1207T>C, p.Ser403Pro (NM_001354897.2); c.1102T>C, p.Ser368Pro (NM_001354898.2); c.1093T>C, p.Ser365Pro (NM_001354899.2); c.1000T>C, p.Ser334Pro (NM_001354900.2, NM_001354901.2); c.328T>C, p.Ser110Pro (NM_001354906.2); c.964-60T>C (NM_001354902.2); and 3 more; short protein forms S375P, S393P, S365P, S368P, S110P, S334P, S403P.
Identifiers: ClinVar variation 411526 (VCV000411526.20), dbSNP rs1060503352, ClinGen allele CA16023883.

ClinVar aggregate classification (germline): Uncertain significance. Review status: criteria provided, multiple submitters, no conflicts (2 of 4 stars). 4 submissions from 4 submitters: Uncertain significance (4). Last evaluated 2025-07-12.

Conditions:
Hereditary cancer-predisposing syndrome. Also called: Tumor predisposition; Hereditary Cancer Syndrome; Hereditary neoplastic syndrome; Neoplastic Syndromes, Hereditary. Identifiers: Orphanet 140162, MedGen C0027672, MeSH D009386, MONDO:0015356.
Familial adenomatous polyposis 1 (FAP1). Also called: FAMILIAL ADENOMATOUS POLYPOSIS 1, ATTENUATED; POLYPOSIS, ADENOMATOUS INTESTINAL. Identifiers: MedGen C2713442, MONDO:0021056, OMIM 175100. Disease mechanism: loss of function.

gnomAD v4.1: 3 of 1,613,960 alleles (0.00019%); highest among the groups gnomAD compares: Non-Finnish European, 0.00025%; no homozygotes.

Submissions (4):

Ambry Genetics
Classification: Uncertain significance for Hereditary cancer-predisposing syndrome. Last evaluated: 2025-07-12. Review status: criteria provided, single submitter. Criteria: Ambry Variant Classification Scheme 2023. Collection method: clinical testing. Allele origin: germline.
Comment: The p.S393P variant (also known as c.1177T>C), located in coding exon 9 of the APC gene, results from a T to C substitution at nucleotide position 1177. The serine at codon 393 is replaced by proline, an amino acid with similar properties. This amino acid position is highly conserved in available vertebrate species. In addition, in silico predictors for this gene do not accurately predict pathogenicity. Since supporting evidence is limited at this time, the clinical significance of this alteration remains unclear.

Color Diagnostics, LLC DBA Color Health
Classification: Uncertain significance for Hereditary cancer-predisposing syndrome. Last evaluated: 2024-10-22. Review status: criteria provided, single submitter. Criteria: ACMG Guidelines, 2015. Collection method: clinical testing. Allele origin: germline.
Comment: This missense variant replaces serine with proline at codon 393 of the APC protein. Computational prediction suggests that this variant may not impact protein structure and function (internally defined REVEL score threshold <= 0.5, PMID: 27666373). To our knowledge, functional studies have not been reported for this variant. This variant has not been reported in individuals affected with APC-related disorders in the literature. This variant has not been identified in the general population by the Genome Aggregation Database (gnomAD). The available evidence is insufficient to determine the role of this variant in disease conclusively. Therefore, this variant is classified as a Variant of Uncertain Significance.

Labcorp Genetics (formerly Invitae), Labcorp
Classification: Uncertain significance for Familial adenomatous polyposis 1. Last evaluated: 2024-01-18. Review status: criteria provided, single submitter. Criteria: Invitae Variant Classification Sherloc (09022015). Collection method: clinical testing. Allele origin: germline.
Comment: This sequence change replaces serine, which is neutral and polar, with proline, which is neutral and non-polar, at codon 393 of the APC protein (p.Ser393Pro). This variant is not present in population databases (gnomAD no frequency). This variant has not been reported in the literature in individuals affected with APC-related conditions. ClinVar contains an entry for this variant (Variation ID: 411526). Advanced modeling of protein sequence and biophysical properties (such as structural, functional, and spatial information, amino acid conservation, physicochemical variation, residue mobility, and thermodynamic stability) performed at Invitae indicates that this missense variant is not expected to disrupt APC protein function with a negative predictive value of 95%. In summary, the available evidence is currently insufficient to determine the role of this variant in disease. Therefore, it has been classified as a Variant of Uncertain Significance.

Quest Diagnostics Nichols Institute San Juan Capistrano
Classification: Uncertain significance. Last evaluated: 2017-05-18. Review status: criteria provided, single submitter. Criteria: Quest Diagnostics criteria. Collection method: clinical testing. Allele origin: germline.